The following is an entry in ClinVar:

NM_000229.2(LCAT):c.154G>A (p.Val52Met)

Genes: LCAT (lecithin-cholesterol acyltransferase; minus strand), SLC12A4 (solute carrier family 12 member 4; minus strand). Cytogenetic location: 16q22.1.
Variant type: single nucleotide variant.
Coding change: c.154G>A on transcript NM_000229.2 (MANE Select); coding-DNA position 154, G replaced by A.
Protein change: p.Val52Met; replaces valine 52 with methionine.
Molecular consequence: missense variant. On other transcripts: 3 prime UTR variant (5).
Genome position (GRCh38, 1-based): chr16:67,943,948, C>T on the plus strand (G>A on the coding strand, the complement: LCAT is on the minus strand). VCF-style: chr16-67943948-C-T. GRCh37 (hg19) VCF-style: chr16-67977851-C-T.
Other names: c.*892G>A (NM_001145961.2, NM_001145962.1, NM_001145963.2 and 2 more transcripts); short protein forms V52M.
Identifiers: ClinVar variation 4873923 (VCV004873923.2).

ClinVar aggregate classification (germline): Uncertain significance (1 of 4 stars; one submission).

gnomAD v4.1: 7 of 1,545,440 alleles (0.00045%); highest among the groups gnomAD compares: South Asian, 0.0024%; no homozygotes.

Submission:

CeGaT Center for Human Genetics Tuebingen
Classification: Uncertain significance. Last evaluated: 2026-06-01. Review status: criteria provided, single submitter. Criteria: CeGaT Center For Human Genetics Tuebingen Variant Classification Criteria Version 2. Collection method: clinical testing. Allele origin: germline. Affected: yes. Observed: 1 variant allele.
Comment: LCAT: PM2, PM3:Supporting, PP3